The following is an entry in ClinVar:

NM_001673.5(ASNS):c.98G>C (p.Arg33Pro)

Genes: ASNS (asparagine synthetase (glutamine-hydrolyzing); minus strand), CZ1P-ASNS (CZ1P-ASNS readthrough; minus strand). Cytogenetic location: 7q21.3.
Variant type: single nucleotide variant.
Coding change: c.98G>C on transcript NM_001673.5 (MANE Select); coding-DNA position 98, G replaced by C.
Protein change: p.Arg33Pro; replaces arginine 33 with proline.
Molecular consequence: missense variant. On other transcripts: non-coding transcript variant (1), intron variant (2).
Genome position (GRCh38, 1-based): chr7:97,869,059, C>G on the plus strand (G>C on the coding strand, the complement: ASNS is on the minus strand). VCF-style: chr7-97869059-C-G. GRCh37 (hg19) VCF-style: chr7-97498371-C-G.
Other names: c.35G>C, p.Arg12Pro (NM_001178075.2); c.98G>C, p.Arg33Pro (NM_001352496.2, NM_133436.3, NM_183356.4); c.-1+3292G>C (NM_001178076.2); c.-1+2982G>C (NM_001178077.1); short protein forms R12P, R33P.
Identifiers: ClinVar variation 1521084 (VCV001521084.8), dbSNP rs1410088726, ClinGen allele CA368274115.

ClinVar aggregate classification (germline): Uncertain significance (1 of 4 stars; one submission).

Submission:

Labcorp Genetics (formerly Invitae), Labcorp
Classification: Uncertain significance. Last evaluated: 2023-09-25. Review status: criteria provided, single submitter. Criteria: Invitae Variant Classification Sherloc (09022015). Collection method: clinical testing. Allele origin: germline.
Comment: This variant has not been reported in the literature in individuals affected with ASNS-related conditions. In summary, the available evidence is currently insufficient to determine the role of this variant in disease. Therefore, it has been classified as a Variant of Uncertain Significance. Advanced modeling of protein sequence and biophysical properties (such as structural, functional, and spatial information, amino acid conservation, physicochemical variation, residue mobility, and thermodynamic stability) performed at Invitae indicates that this missense variant is expected to disrupt ASNS protein function. ClinVar contains an entry for this variant (Variation ID: 1521084). This variant is not present in population databases (gnomAD no frequency). This sequence change replaces arginine, which is basic and polar, with proline, which is neutral and non-polar, at codon 33 of the ASNS protein (p.Arg33Pro).